The following is an entry in ClinVar:

ClinVar aggregate classification (germline): Uncertain significance. Review status: criteria provided, multiple submitters, no conflicts (2 of 4 stars). 2 submissions from 2 submitters: Uncertain significance (2). Last evaluated 2024-10-29.

Conditions:
Inborn genetic diseases. Identifiers: MedGen C0950123, MeSH D030342.
Joubert syndrome. Also called: Familial aplasia of the vermis; CEREBELLOPARENCHYMAL DISORDER IV; JOUBERT-BOLTSHAUSER SYNDROME. Identifiers: Orphanet 475, MedGen C5979921, MONDO:0018772.
Meckel-Gruber syndrome. Also called: Dysencephalia splachnocystica; DYSENCEPHALIA SPLANCHNOCYSTICA; GRUBER SYNDROME. Identifiers: Orphanet 564, MedGen C0265215, MONDO:0018921.

Allele frequency attached by ClinVar (database versions not stated): TOPMed below 0.00001; gnomAD exomes 0.00001; ExAC 0.00002.
gnomAD v4.1: 12 of 1,613,520 alleles (0.00074%); highest among the groups gnomAD compares: Admixed American, 0.0067%; no homozygotes.

Submissions (2):

Labcorp Genetics (formerly Invitae), Labcorp
Classification: Uncertain significance for Joubert syndrome; Meckel-Gruber syndrome. Last evaluated: 2024-10-29. Review status: criteria provided, single submitter. Criteria: Invitae Variant Classification Sherloc (09022015). Collection method: clinical testing. Allele origin: germline.
Comment: This sequence change replaces tryptophan, which is neutral and slightly polar, with arginine, which is basic and polar, at codon 656 of the TCTN2 protein (p.Trp656Arg). This variant is present in population databases (rs756649431, gnomAD 0.006%). This variant has not been reported in the literature in individuals affected with TCTN2-related conditions. ClinVar contains an entry for this variant (Variation ID: 1018298). Invitae Evidence Modeling of protein sequence and biophysical properties (such as structural, functional, and spatial information, amino acid conservation, physicochemical variation, residue mobility, and thermodynamic stability) has been performed for this missense variant. However, the output from this modeling did not meet the statistical confidence thresholds required to predict the impact of this variant on TCTN2 protein function. In summary, the available evidence is currently insufficient to determine the role of this variant in disease. Therefore, it has been classified as a Variant of Uncertain Significance.

Ambry Genetics
Classification: Uncertain significance for Inborn genetic diseases. Last evaluated: 2023-11-14. Review status: criteria provided, single submitter. Criteria: Ambry Variant Classification Scheme 2023. Collection method: clinical testing. Allele origin: germline.

NM_024809.5(TCTN2):c.1966T>C (p.Trp656Arg)

Gene: TCTN2 (tectonic family member 2; plus strand). Cytogenetic location: 12q24.31.
Variant type: single nucleotide variant.
Coding change: c.1966T>C on transcript NM_024809.5 (MANE Select); coding-DNA position 1966, T replaced by C.
Protein change: p.Trp656Arg; replaces tryptophan 656 with arginine.
Molecular consequence: missense variant.
Genome position (GRCh38, 1-based): chr12:123,707,055, T>C. VCF-style: chr12-123707055-T-C. GRCh37 (hg19) VCF-style: chr12-124191602-T-C.
Other names: c.1963T>C, p.Trp655Arg (NM_001143850.3); c.1966T>C (NM_024809.3); short protein forms W655R, W656R.
Identifiers: ClinVar variation 1018298 (VCV001018298.7), dbSNP rs756649431, ClinGen allele CA6861387.